The following is an entry in ClinVar:

NM_017491.5(WDR1):c.1648G>A (p.Gly550Ser)

Gene: WDR1 (WD repeat domain 1; minus strand). Cytogenetic location: 4p16.1.
Variant type: single nucleotide variant.
Coding change: c.1648G>A on transcript NM_017491.5 (MANE Select); coding-DNA position 1648, G replaced by A.
Protein change: p.Gly550Ser; replaces glycine 550 with serine.
Molecular consequence: missense variant.
Genome position (GRCh38, 1-based): chr4:10,077,370, C>T on the plus strand (G>A on the coding strand, the complement: WDR1 is on the minus strand). VCF-style: chr4-10077370-C-T. GRCh37 (hg19) VCF-style: chr4-10078994-C-T.
Other names: c.1228G>A, p.Gly410Ser (NM_005112.5); short protein forms G410S, G550S.
Identifiers: ClinVar variation 2057843 (VCV002057843.3), dbSNP rs766457014, ClinGen allele CA2857488.

ClinVar aggregate classification (germline): Uncertain significance (1 of 4 stars; one submission).

Allele frequency attached by ClinVar (database versions not stated): ExAC 0.00002; TOPMed 0.00002; gnomAD 0.00003.
gnomAD v4.1: 108 of 1,613,886 alleles (0.0067%); highest among the groups gnomAD compares: Non-Finnish European, 0.0082%; no homozygotes.

Submission:

Labcorp Genetics (formerly Invitae), Labcorp
Classification: Uncertain significance. Last evaluated: 2022-08-05. Review status: criteria provided, single submitter. Criteria: Invitae Variant Classification Sherloc (09022015). Collection method: clinical testing. Allele origin: germline.
Comment: In summary, the available evidence is currently insufficient to determine the role of this variant in disease. Therefore, it has been classified as a Variant of Uncertain Significance. Algorithms developed to predict the effect of missense changes on protein structure and function (SIFT, PolyPhen-2, Align-GVGD) all suggest that this variant is likely to be tolerated. This variant has not been reported in the literature in individuals affected with WDR1-related conditions. This variant is present in population databases (rs766457014, gnomAD 0.008%). This sequence change replaces glycine, which is neutral and non-polar, with serine, which is neutral and polar, at codon 550 of the WDR1 protein (p.Gly550Ser).